The following is an entry in ClinVar:

NM_000138.5(FBN1):c.*764G>A

Gene: FBN1 (fibrillin 1; minus strand). Cytogenetic location: 15q21.1.
Variant type: single nucleotide variant.
Coding change: c.*764G>A on transcript NM_000138.5 (MANE Select); 764 bases downstream of the stop codon, G replaced by A.
Molecular consequence: 3 prime UTR variant.
Genome position (GRCh38, 1-based): chr15:48,410,226, C>T on the plus strand (G>A on the coding strand, the complement: FBN1 is on the minus strand). VCF-style: chr15-48410226-C-T. GRCh37 (hg19) VCF-style: chr15-48702423-C-T.
Identifiers: ClinVar variation 316350 (VCV000316350.5), dbSNP rs55717426, ClinGen allele CA10642088.

ClinVar aggregate classification (germline): Conflicting classifications of pathogenicity. Review status: criteria provided, conflicting classifications (1 of 4 stars). 7 submissions from 1 submitter: Uncertain significance (1); Benign (6). Last evaluated 2018-01-13.

Conditions:
Stiff skin syndrome (SSKS). Identifiers: Orphanet 2833, MedGen C1861456, MONDO:0008492, OMIM 184900.
Geleophysic dysplasia. Identifiers: Orphanet 2623, MedGen C3489726, MONDO:0000127.
Weill-Marchesani syndrome. Also called: WM Syndrome; Mesodermal dysmorphodystrophy congenital. Identifiers: Orphanet 3449, MedGen C0265313, MONDO:0018096.
Acromicric dysplasia (ACMICD). Also called: Acromicric skeletal dysplasia. Identifiers: Orphanet 969, MedGen C0265287, MONDO:0007055, OMIM 102370.
Ectopia lentis 1, isolated, autosomal dominant (ECTOL1). Identifiers: Orphanet 1885, MedGen C3541518, MONDO:0007514, OMIM 129600.
Familial thoracic aortic aneurysm and aortic dissection (TAAD). Also called: Thoracic aortic aneurysms and dissections. Identifiers: Orphanet 91387, MedGen C4707243, MONDO:0019625.
Marfan syndrome (MFS). Also called: Marfan syndrome type 1; Marfan's syndrome; MARFAN SYNDROME, TYPE I; Marfan syndrome, classic; FBN1-Related Marfan Syndrome. Identifiers: Orphanet 284963, Orphanet 558, MedGen C0024796, MONDO:0007947, OMIM 154700.

Allele frequency attached by ClinVar (database versions not stated): TOPMed 0.00005; 1000 Genomes Project 0.00040; gnomAD 0.00001 and 0.00003; 1000 Genomes Project 30x 0.00047.
gnomAD v4.1: 4 of 152,742 alleles (0.0026%); highest among the groups gnomAD compares: East Asian, 0.077%; no homozygotes.

Submissions (7):

Illumina Laboratory Services, Illumina
Classification: Benign for Stiff skin syndrome. Last evaluated: 2018-01-13. Review status: criteria provided, single submitter. Criteria: ICSL Variant Classification Criteria 13 December 2019. Collection method: clinical testing. Allele origin: germline.
Comment: This variant was observed in the ICSL laboratory as part of a predisposition screen in an ostensibly healthy population. It had not been previously curated by ICSL or reported in the Human Gene Mutation Database (HGMD: prior to June 1st, 2018), and was therefore a candidate for classification through an automated scoring system. Utilizing variant allele frequency, disease prevalence and penetrance estimates, and inheritance mode, an automated score was calculated to assess if this variant is too frequent to cause the disease. Based on the score and internal cut-off values, a variant classified as benign is not then subjected to further curation. The score for this variant resulted in a classification of benign for this disease.

Illumina Laboratory Services, Illumina
Classification: Benign for Weill-Marchesani syndrome. Last evaluated: 2018-01-13. Review status: criteria provided, single submitter. Criteria: ICSL Variant Classification Criteria 13 December 2019. Collection method: clinical testing. Allele origin: germline.
Comment: the same text as in the submission from Illumina Laboratory Services, Illumina above.

Illumina Laboratory Services, Illumina
Classification: Benign for Marfan syndrome. Last evaluated: 2018-01-13. Review status: criteria provided, single submitter. Criteria: ICSL Variant Classification Criteria 13 December 2019. Collection method: clinical testing. Allele origin: germline.
Comment: the same text as in the submission from Illumina Laboratory Services, Illumina above.

Illumina Laboratory Services, Illumina
Classification: Benign for Acromicric dysplasia. Last evaluated: 2018-01-13. Review status: criteria provided, single submitter. Criteria: ICSL Variant Classification Criteria 13 December 2019. Collection method: clinical testing. Allele origin: germline.
Comment: the same text as in the submission from Illumina Laboratory Services, Illumina above.

Illumina Laboratory Services, Illumina
Classification: Benign for Geleophysic dysplasia. Last evaluated: 2018-01-13. Review status: criteria provided, single submitter. Criteria: ICSL Variant Classification Criteria 13 December 2019. Collection method: clinical testing. Allele origin: germline.
Comment: the same text as in the submission from Illumina Laboratory Services, Illumina above.

Illumina Laboratory Services, Illumina
Classification: Uncertain significance for Familial thoracic aortic aneurysm and aortic dissection. Last evaluated: 2018-01-13. Review status: criteria provided, single submitter. Criteria: ICSL Variant Classification Criteria 13 December 2019. Collection method: clinical testing. Allele origin: germline.

Illumina Laboratory Services, Illumina
Classification: Benign for Ectopia lentis 1, isolated, autosomal dominant. Last evaluated: 2018-01-13. Review status: criteria provided, single submitter. Criteria: ICSL Variant Classification Criteria 13 December 2019. Collection method: clinical testing. Allele origin: germline.
Comment: the same text as in the submission from Illumina Laboratory Services, Illumina above.